The following is an entry in ClinVar:

NM_015346.4(ZFYVE26):c.4370G>C (p.Cys1457Ser)

Gene: ZFYVE26 (zinc finger FYVE-type containing 26; minus strand). Cytogenetic location: 14q24.1.
Variant type: single nucleotide variant.
Coding change: c.4370G>C on transcript NM_015346.4 (MANE Select); coding-DNA position 4370, G replaced by C.
Protein change: p.Cys1457Ser; replaces cysteine 1457 with serine.
Molecular consequence: missense variant.
Genome position (GRCh38, 1-based): chr14:67,782,782, C>G on the plus strand (G>C on the coding strand, the complement: ZFYVE26 is on the minus strand). VCF-style: chr14-67782782-C-G. GRCh37 (hg19) VCF-style: chr14-68249499-C-G.
Other names: p.Cys1457Ser; c.4370G>C (NM_015346.3); short protein forms C1457S.
Identifiers: ClinVar variation 2039494 (VCV002039494.2), dbSNP rs2235967, ClinGen allele CA7239787.
Genomic context (GRCh38, chr14:67,782,782, plus strand): 5'-CCCAGTGAATACCAAATATTACCACTAGTGAAAAAGGGAGGCATAGCATTCTGCTCACCA[C>G]ATGCCACAGCACAGCTCAGGACTGCATCCTTTATGCTGCTCAAATCGTCCACATCTCGCC-3'
Protein context (NP_056161.2, residues 1447-1467): KDAVLSCAVA[Cys1457Ser]DKEGWQYLFP

ClinVar aggregate classification (germline): Uncertain significance. Review status: criteria provided, multiple submitters, no conflicts (2 of 4 stars). 2 submissions from 2 submitters: Uncertain significance (2). Last evaluated 2022-05-26.

Conditions:
Spastic paraplegia. Identifiers: MedGen C0037772, HP:0001258.

gnomAD v4.1: 89 of 1,613,956 alleles (0.0055%); highest among the groups gnomAD compares: Non-Finnish European, 0.007%; no homozygotes.

Submissions (2):

Mayo Clinic Laboratories, Mayo Clinic
Classification: Uncertain significance. Last evaluated: 2022-05-26. Review status: criteria provided, single submitter. Criteria: ACMG Guidelines, 2015. Collection method: clinical testing. Allele origin: germline. Observed: 1 variant allele.
Comment: BP4, PM2

Labcorp Genetics (formerly Invitae), Labcorp
Classification: Uncertain significance for Spastic paraplegia. Last evaluated: 2021-09-24. Review status: criteria provided, single submitter. Criteria: Invitae Variant Classification Sherloc (09022015). Collection method: clinical testing. Allele origin: germline.
Comment: This sequence change replaces cysteine with serine at codon 1457 of the ZFYVE26 protein (p.Cys1457Ser). The cysteine residue is moderately conserved and there is a moderate physicochemical difference between cysteine and serine. This variant is present in population databases (rs2235967, ExAC 0.004%). This variant has not been reported in the literature in individuals with ZFYVE26-related conditions. Algorithms developed to predict the effect of missense changes on protein structure and function output the following: SIFT: "Tolerated"; PolyPhen-2: "Benign"; Align-GVGD: "Class C0". The serine amino acid residue is found in multiple mammalian species, suggesting that this missense change does not adversely affect protein function. These predictions have not been confirmed by published functional studies and their clinical significance is uncertain. In summary, the available evidence is currently insufficient to determine the role of this variant in disease. Therefore, it has been classified as a Variant of Uncertain Significance.